The following is an entry in ClinVar:

ClinVar aggregate classification (germline): Benign (0 of 4 stars; one submission).

Conditions:
DNAH6-related disorder. Also called: DNAH6-related condition.

Allele frequency attached by ClinVar (database versions not stated): ExAC 0.00069; ESP Exome Variant Server 0.00175; 1000 Genomes Project 0.00280; gnomAD 0.00281; 1000 Genomes Project 30x 0.00297; TOPMed 0.00319.
gnomAD v4.1: 851 of 1,551,264 alleles (0.055%); highest among the groups gnomAD compares: African/African-American, 0.95%; 3 homozygotes.

Submission:

PreventionGenetics, part of Exact Sciences
Classification: Benign for DNAH6-related condition. Last evaluated: 2022-04-18. Review status: no assertion criteria provided. Collection method: clinical testing. Allele origin: germline.
Comment: This variant is classified as benign based on ACMG/AMP sequence variant interpretation guidelines (Richards et al. 2015 PMID: 25741868, with internal and published modifications).

NM_001370.2(DNAH6):c.10241C>T (p.Pro3414Leu)

Gene: DNAH6 (dynein axonemal heavy chain 6; plus strand). Cytogenetic location: 2p11.2.
Variant type: single nucleotide variant.
Coding change: c.10241C>T on transcript NM_001370.2 (MANE Select); coding-DNA position 10241, C replaced by T.
Protein change: p.Pro3414Leu; replaces proline 3414 with leucine.
Molecular consequence: missense variant.
Genome position (GRCh38, 1-based): chr2:84,733,478, C>T. VCF-style: chr2-84733478-C-T. GRCh37 (hg19) VCF-style: chr2-84960602-C-T.
Other names: short protein forms P3414L.
Identifiers: ClinVar variation 3038348 (VCV003038348.2), dbSNP rs184222126, ClinGen allele CA1737681.